The following is an entry in ClinVar:

ClinVar aggregate classification (germline): Pathogenic. Review status: reviewed by expert panel (3 of 4 stars). 2 submissions from 2 submitters: Pathogenic (1). 1 of the submissions does not count toward it. Last evaluated 2016-09-08.

Conditions:
Breast-ovarian cancer, familial, susceptibility to, 2 (BROVCA2). Also called: BRCA2 Hereditary Breast and Ovarian Cancer. Identifiers: Orphanet 145, MedGen C2675520, MONDO:0012933, OMIM 612555. Disease mechanism: loss of function.

Submissions (2):

Evidence-based Network for the Interpretation of Germline Mutant Alleles (ENIGMA)
Classification: Pathogenic for Breast-ovarian cancer, familial, susceptibility to, 2. Last evaluated: 2016-09-08. Review status: reviewed by expert panel. Criteria: ENIGMA BRCA1/2 Classification Criteria (2015). Collection method: curation. Allele origin: germline.
Comment: Variant allele predicted to encode a truncated non-functional protein.

Breast Cancer Information Core (BIC) (BRCA2)
Classification: Pathogenic for Breast-ovarian cancer, familial 2. Last evaluated: 2003-12-23. Review status: no assertion criteria provided. Collection method: clinical testing. Allele origin: germline. Affected: yes. Observed: 1 variant allele. Not counted in ClinVar's aggregate classification.

NM_000059.4(BRCA2):c.6001del (p.Ser2001fs)

Gene: BRCA2 (BRCA2 DNA repair associated; plus strand). Cytogenetic location: 13q13.1.
Variant type: Deletion.
Coding change: c.6001del on transcript NM_000059.4 (MANE Select); coding-DNA position 6001, one base deleted (T; older notation c.6001delT).
Protein change: p.Ser2001fs; shifts the reading frame from serine 2001.
Molecular consequence: frameshift variant.
Genome position (GRCh38, 1-based): chr13:32,340,356, T deleted; the last of 4 consecutive T bases (chr13:32,340,353-32,340,356); deleting any one gives the same sequence. VCF-style (leftmost placement, unchanged base first): chr13-32340352-GT-G. GRCh37 (hg19) VCF-style: chr13-32914489-GT-G.
Other names: 6229delT; c.6001delT (NM_000059.3); short protein forms S2001fs.
Identifiers: ClinVar variation 51986 (VCV000051986.2), dbSNP rs80359553, ClinGen allele CA023500.